The following is an entry in ClinVar:

NM_014629.4(ARHGEF10):c.3325C>T (p.Leu1109Phe)

Gene: ARHGEF10 (Rho guanine nucleotide exchange factor 10; plus strand). Cytogenetic location: 8p23.3.
Variant type: single nucleotide variant.
Coding change: c.3325C>T on transcript NM_014629.4 (MANE Select); coding-DNA position 3325, C replaced by T.
Protein change: p.Leu1109Phe; replaces leucine 1109 with phenylalanine.
Molecular consequence: missense variant.
Genome position (GRCh38, 1-based): chr8:1,945,583, C>T. VCF-style: chr8-1945583-C-T. GRCh37 (hg19) VCF-style: chr8-1893749-C-T.
Other names: c.3211C>T, p.Leu1071Phe (NM_001308152.2); c.3325C>T, p.Leu1109Phe (NM_001308153.3); short protein forms L1109F, L1133F, L1071F.
Identifiers: ClinVar variation 3696230 (VCV003696230.2).

ClinVar aggregate classification (germline): Uncertain significance (1 of 4 stars; one submission).

gnomAD v4.1: 3 of 1,614,242 alleles (0.00019%); highest among the groups gnomAD compares: Non-Finnish European, 0.00025%; no homozygotes.

Submission:

Labcorp Genetics (formerly Invitae), Labcorp
Classification: Uncertain significance. Last evaluated: 2025-09-02. Review status: criteria provided, single submitter. Criteria: Invitae Variant Classification Sherloc (09022015). Collection method: clinical testing. Allele origin: germline.
Comment: This sequence change replaces leucine, which is neutral and non-polar, with phenylalanine, which is neutral and non-polar, at codon 1109 of the ARHGEF10 protein (p.Leu1109Phe). This variant is present in population databases (rs748640397, gnomAD 0.0009%). This variant has not been reported in the literature in individuals affected with ARHGEF10-related conditions. ClinVar contains an entry for this variant (Variation ID: 3696230). Invitae Evidence Modeling of protein sequence and biophysical properties (such as structural, functional, and spatial information, amino acid conservation, physicochemical variation, residue mobility, and thermodynamic stability) indicates that this missense variant is expected to disrupt ARHGEF10 protein function with a positive predictive value of 80%. In summary, the available evidence is currently insufficient to determine the role of this variant in disease. Therefore, it has been classified as a Variant of Uncertain Significance.